The following is an entry in ClinVar:

ClinVar aggregate classification (germline): Likely benign. Review status: criteria provided, multiple submitters, no conflicts (2 of 4 stars). 2 submissions from 2 submitters: Likely benign (2). Last evaluated 2025-03-17.

Conditions:
Brugada syndrome. Also called: Sudden unexplained nocturnal death syndrome; Sudden unexpected nocturnal death syndrome; Sudden Unexplained Death Syndrome; Sudden Unexplained Nocturnal Death Syndrome (SUNDS). Identifiers: Orphanet 130, MedGen C1142166, MONDO:0015263.

Allele frequency attached by ClinVar (database versions not stated): ExAC 0.00004; gnomAD 0.00020; gnomAD exomes 0.00066 and 0.00353; 1000 Genomes Project 0.00719.
gnomAD v4.1: 775 of 1,246,642 alleles (0.062%); highest among the groups gnomAD compares: Admixed American, 0.2%; 1 homozygote.

Submissions (2):

Labcorp Genetics (formerly Invitae), Labcorp
Classification: Likely benign for Brugada syndrome. Last evaluated: 2025-03-17. Review status: criteria provided, single submitter. Criteria: Invitae Variant Classification Sherloc (09022015). Collection method: clinical testing. Allele origin: germline.

GeneDx
Classification: Likely benign. Last evaluated: 2017-10-20. Review status: criteria provided, single submitter. Criteria: GeneDx Variant Classification (06012015). Collection method: clinical testing. Allele origin: germline. Affected: yes.
Comment: This variant is considered likely benign or benign based on one or more of the following criteria: it is a conservative change, it occurs at a poorly conserved position in the protein, it is predicted to be benign by multiple in silico algorithms, and/or has population frequency not consistent with disease.

NM_000722.4(CACNA2D1):c.659-19C>T

Gene: CACNA2D1 (calcium voltage-gated channel auxiliary subunit alpha2delta 1; minus strand). Cytogenetic location: 7q21.11.
Variant type: single nucleotide variant.
Coding change: c.659-19C>T on transcript NM_000722.4 (MANE Select); 19 bases into the intron before coding-DNA position 659, C replaced by T.
Molecular consequence: intron variant.
Genome position (GRCh38, 1-based): chr7:82,066,543, G>A on the plus strand (C>T on the coding strand, the complement: CACNA2D1 is on the minus strand). VCF-style: chr7-82066543-G-A. GRCh37 (hg19) VCF-style: chr7-81695859-G-A.
Other names: c.659-19C>T (NM_001366867.1, NM_001302890.2, LRG_437t1).
Identifiers: ClinVar variation 516750 (VCV000516750.8), dbSNP rs200166451, ClinGen allele CA4318285.